The following is an entry in ClinVar:

NM_006218.4(PIK3CA):c.1028A>C (p.Tyr343Ser)

Gene: PIK3CA (phosphatidylinositol-4,5-bisphosphate 3-kinase catalytic subunit alpha; plus strand). Cytogenetic location: 3q26.32.
Variant type: single nucleotide variant.
Coding change: c.1028A>C on transcript NM_006218.4 (MANE Select); coding-DNA position 1028, A replaced by C.
Protein change: p.Tyr343Ser; replaces tyrosine 343 with serine.
Molecular consequence: missense variant.
Genome position (GRCh38, 1-based): chr3:179,203,758, A>C. VCF-style: chr3-179203758-A-C. GRCh37 (hg19) VCF-style: chr3-178921546-A-C.
Other names: short protein forms Y343S.
Identifiers: ClinVar variation 4136820 (VCV004136820.1).

ClinVar aggregate classification (germline): Uncertain significance (1 of 4 stars; one submission).

Conditions:
Inborn genetic diseases. Identifiers: MedGen C0950123, MeSH D030342.

Submission:

Ambry Genetics
Classification: Uncertain significance for Inborn genetic diseases. Last evaluated: 2025-09-04. Review status: criteria provided, single submitter. Criteria: Ambry Variant Classification Scheme 2023. Collection method: clinical testing. Allele origin: germline.
Comment: The p.Y343S variant (also known as c.1028A>C), located in coding exon 4 of the PIK3CA gene, results from an A to C substitution at nucleotide position 1028. The tyrosine at codon 343 is replaced by serine, an amino acid with dissimilar properties. This amino acid position is conserved. In addition, this alteration is predicted to be deleterious by in silico analysis. Based on the available evidence, the clinical significance of this variant remains unclear.